The following is an entry in ClinVar:

NM_001384474.1(LOXHD1):c.1963T>C (p.Cys655Arg)

Gene: LOXHD1 (lipoxygenase homology PLAT domains 1; minus strand). Cytogenetic location: 18q21.1.
Variant type: single nucleotide variant.
Coding change: c.1963T>C on transcript NM_001384474.1 (MANE Select); coding-DNA position 1963, T replaced by C.
Protein change: p.Cys655Arg; replaces cysteine 655 with arginine.
Molecular consequence: missense variant.
Genome position (GRCh38, 1-based): chr18:46,577,714, A>G on the plus strand (T>C on the coding strand, the complement: LOXHD1 is on the minus strand). VCF-style: chr18-46577714-A-G. GRCh37 (hg19) VCF-style: chr18-44157677-A-G.
Other names: c.1963T>C, p.Cys655Arg (NM_144612.7); short protein forms C655R.
Identifiers: ClinVar variation 1470386 (VCV001470386.5), dbSNP rs2144133718, ClinGen allele CA402377767.

ClinVar aggregate classification (germline): Uncertain significance (1 of 4 stars; one submission).

Submission:

Labcorp Genetics (formerly Invitae), Labcorp
Classification: Uncertain significance. Last evaluated: 2022-06-27. Review status: criteria provided, single submitter. Criteria: Invitae Variant Classification Sherloc (09022015). Collection method: clinical testing. Allele origin: germline.
Comment: This sequence change replaces cysteine, which is neutral and slightly polar, with arginine, which is basic and polar, at codon 655 of the LOXHD1 protein (p.Cys655Arg). This variant is not present in population databases (gnomAD no frequency). This variant has not been reported in the literature in individuals affected with LOXHD1-related conditions. Algorithms developed to predict the effect of missense changes on protein structure and function are either unavailable or do not agree on the potential impact of this missense change (SIFT: "Deleterious"; PolyPhen-2: "Benign"; Align-GVGD: "Class C0"). In summary, the available evidence is currently insufficient to determine the role of this variant in disease. Therefore, it has been classified as a Variant of Uncertain Significance.